The following is an entry in ClinVar:

NM_014915.3(ANKRD26):c.501G>T (p.Leu167Phe)

Gene: ANKRD26 (ankyrin repeat domain 26; minus strand). Cytogenetic location: 10p12.1.
Variant type: single nucleotide variant.
Coding change: c.501G>T on transcript NM_014915.3 (MANE Select); coding-DNA position 501, G replaced by T.
Protein change: p.Leu167Phe; replaces leucine 167 with phenylalanine.
Molecular consequence: missense variant.
Genome position (GRCh38, 1-based): chr10:27,093,379, C>A on the plus strand (G>T on the coding strand, the complement: ANKRD26 is on the minus strand). VCF-style: chr10-27093379-C-A. GRCh37 (hg19) VCF-style: chr10-27382308-C-A.
Other names: c.501G>T, p.Leu167Phe (NM_001256053.2); short protein forms L167F.
Identifiers: ClinVar variation 1314106 (VCV001314106.10), dbSNP rs183398279, ClinGen allele CA5448928.

ClinVar aggregate classification (germline): Conflicting classifications of pathogenicity. Review status: criteria provided, conflicting classifications (1 of 4 stars). 4 submissions from 4 submitters: Uncertain significance (2); Likely benign (1). 1 of the submissions does not count toward it. Last evaluated 2025-12-31.

Conditions:
Inborn genetic diseases. Identifiers: MedGen C0950123, MeSH D030342.
ANKRD26-related disorder. Also called: ANKRD26-related condition.

Allele frequency attached by ClinVar (database versions not stated): gnomAD 0.00002 and 0.00003; gnomAD exomes 0.00006 and 0.00030; 1000 Genomes Project 0.00020; ExAC 0.00023; 1000 Genomes Project 30x 0.00031.

Submissions (4):

Labcorp Genetics (formerly Invitae), Labcorp
Classification: Likely benign. Last evaluated: 2025-12-31. Review status: criteria provided, single submitter. Criteria: Invitae Variant Classification Sherloc (09022015). Collection method: clinical testing. Allele origin: germline.

Ambry Genetics
Classification: Uncertain significance for Inborn genetic diseases. Last evaluated: 2024-11-22. Review status: criteria provided, single submitter. Criteria: Ambry Variant Classification Scheme 2023. Collection method: clinical testing. Allele origin: germline.
Comment: The p.L167F variant (also known as c.501G>T), located in coding exon 3 of the ANKRD26 gene, results from a G to T substitution at nucleotide position 501. The leucine at codon 167 is replaced by phenylalanine, an amino acid with highly similar properties. This amino acid position is conserved. In addition, this alteration is predicted to be tolerated by in silico analysis. Based on the available evidence, the clinical significance of this variant remains unclear.

GeneDx
Classification: Uncertain significance. Last evaluated: 2022-08-18. Review status: criteria provided, single submitter. Criteria: GeneDx Variant Classification Process June 2021. Collection method: clinical testing. Allele origin: germline. Affected: yes.
Comment: Has not been previously published as pathogenic or benign to our knowledge; In silico analysis supports that this missense variant does not alter protein structure/function

PreventionGenetics, part of Exact Sciences
Classification: Likely benign for ANKRD26-related condition. Last evaluated: 2024-07-12. Review status: no assertion criteria provided. Collection method: clinical testing. Allele origin: germline. Not counted in ClinVar's aggregate classification.
Comment: This variant is classified as likely benign based on ACMG/AMP sequence variant interpretation guidelines (Richards et al. 2015 PMID: 25741868, with internal and published modifications).